The following is an entry in ClinVar:

NM_016203.4(PRKAG2):c.269C>T (p.Ser90Phe)

Gene: PRKAG2 (protein kinase AMP-activated non-catalytic subunit gamma 2; minus strand). Cytogenetic location: 7q36.1.
Variant type: single nucleotide variant.
Coding change: c.269C>T on transcript NM_016203.4 (MANE Select); coding-DNA position 269, C replaced by T.
Protein change: p.Ser90Phe; replaces serine 90 with phenylalanine.
Molecular consequence: missense variant.
Genome position (GRCh38, 1-based): chr7:151,781,349, G>A on the plus strand (C>T on the coding strand, the complement: PRKAG2 is on the minus strand). VCF-style: chr7-151781349-G-A. GRCh37 (hg19) VCF-style: chr7-151478435-G-A.
Other names: c.137C>T, p.Ser46Phe (NM_001040633.2); c.269C>T (NM_016203.3); short protein forms S46F, S90F.
Identifiers: ClinVar variation 1384276 (VCV001384276.9), dbSNP rs2076657636, ClinGen allele CA370069782.

ClinVar aggregate classification (germline): Uncertain significance. Review status: criteria provided, multiple submitters, no conflicts (2 of 4 stars). 2 submissions from 2 submitters: Uncertain significance (2). Last evaluated 2025-06-18.

Conditions:
Cardiovascular phenotype. Identifiers: MedGen CN230736.
Lethal congenital glycogen storage disease of heart. Also called: PHOSPHORYLASE KINASE DEFICIENCY OF HEART; GLYCOGEN STORAGE DISEASE OF HEART. Identifiers: Orphanet 439854, MedGen C1849813, MONDO:0009867, OMIM 261740.

Allele frequency attached by ClinVar (database versions not stated): TOPMed below 0.00001.

Submissions (2):

Labcorp Genetics (formerly Invitae), Labcorp
Classification: Uncertain significance for Lethal congenital glycogen storage disease of heart. Last evaluated: 2025-06-18. Review status: criteria provided, single submitter. Criteria: Invitae Variant Classification Sherloc (09022015). Collection method: clinical testing. Allele origin: germline.
Comment: This sequence change replaces serine, which is neutral and polar, with phenylalanine, which is neutral and non-polar, at codon 90 of the PRKAG2 protein (p.Ser90Phe). This variant is not present in population databases (gnomAD no frequency). This variant has not been reported in the literature in individuals affected with PRKAG2-related conditions. ClinVar contains an entry for this variant (Variation ID: 1384276). Invitae Evidence Modeling of protein sequence and biophysical properties (such as structural, functional, and spatial information, amino acid conservation, physicochemical variation, residue mobility, and thermodynamic stability) indicates that this missense variant is not expected to disrupt PRKAG2 protein function with a negative predictive value of 95%. In summary, the available evidence is currently insufficient to determine the role of this variant in disease. Therefore, it has been classified as a Variant of Uncertain Significance.

Ambry Genetics
Classification: Uncertain significance for Cardiovascular phenotype. Last evaluated: 2025-06-13. Review status: criteria provided, single submitter. Criteria: Ambry Variant Classification Scheme 2023. Collection method: clinical testing. Allele origin: germline.
Comment: The p.S90F variant (also known as c.269C>T), located in coding exon 3 of the PRKAG2 gene, results from a C to T substitution at nucleotide position 269. The serine at codon 90 is replaced by phenylalanine, an amino acid with highly dissimilar properties. This amino acid position is conserved. In addition, the in silico prediction for this alteration is inconclusive. Since supporting evidence is limited at this time, the clinical significance of this alteration remains unclear.